The following is an entry in ClinVar:

ClinVar aggregate classification (germline): Uncertain significance. Review status: criteria provided, multiple submitters, no conflicts (2 of 4 stars). 2 submissions from 2 submitters: Uncertain significance (2). Last evaluated 2022-09-01.

Conditions:
Cardiovascular phenotype. Identifiers: MedGen CN230736.

Allele frequency attached by ClinVar (database versions not stated): TOPMed below 0.00001.
gnomAD v4.1: 1 of 1,613,912 alleles (0.000062%); no homozygotes.

Submissions (2):

CeGaT Center for Human Genetics Tuebingen
Classification: Uncertain significance. Last evaluated: 2022-09-01. Review status: criteria provided, single submitter. Criteria: CeGaT Center For Human Genetics Tuebingen Variant Classification Criteria Version 2. Collection method: clinical testing. Allele origin: germline. Affected: yes. Observed: 1 variant allele.
Comment: TBX5: PM2, BP4

Ambry Genetics
Classification: Uncertain significance for Cardiovascular phenotype. Last evaluated: 2020-12-07. Review status: criteria provided, single submitter. Criteria: Ambry Variant Classification Scheme 2023. Collection method: clinical testing. Allele origin: germline.
Comment: The p.T345A variant (also known as c.1033A>G), located in coding exon 8 of the TBX5 gene, results from an A to G substitution at nucleotide position 1033. The threonine at codon 345 is replaced by alanine, an amino acid with similar properties. This amino acid position is not well conserved in available vertebrate species, and alanine is the reference amino acid in other vertebrate species. In addition, this alteration is predicted to be tolerated by in silico analysis. Since supporting evidence is limited at this time, the clinical significance of this alteration remains unclear.

NM_181486.4(TBX5):c.1033A>G (p.Thr345Ala)

Gene: TBX5 (T-box transcription factor 5; minus strand). Cytogenetic location: 12q24.21.
Variant type: single nucleotide variant.
Coding change: c.1033A>G on transcript NM_181486.4 (MANE Select); coding-DNA position 1033, A replaced by G.
Protein change: p.Thr345Ala; replaces threonine 345 with alanine.
Molecular consequence: missense variant.
Genome position (GRCh38, 1-based): chr12:114,356,056, T>C on the plus strand (A>G on the coding strand, the complement: TBX5 is on the minus strand). VCF-style: chr12-114356056-T-C. GRCh37 (hg19) VCF-style: chr12-114793861-T-C.
Other names: c.1033A>G, p.Thr345Ala (NM_000192.3); c.883A>G, p.Thr295Ala (NM_080717.4); short protein forms T345A, T295A.
Identifiers: ClinVar variation 1771774 (VCV001771774.26), dbSNP rs1868895836, ClinGen allele CA386925934.